The following is an entry in ClinVar:

ClinVar aggregate classification (germline): Uncertain significance. Review status: criteria provided, multiple submitters, no conflicts (2 of 4 stars). 2 submissions from 2 submitters: Uncertain significance (2). Last evaluated 2025-08-19.

Conditions:
Hereditary cancer-predisposing syndrome. Also called: Hereditary neoplastic syndrome; Neoplastic Syndromes, Hereditary; Tumor predisposition; Hereditary Cancer Syndrome. Identifiers: Orphanet 140162, MedGen C0027672, MeSH D009386, MONDO:0015356.

Allele frequency attached by ClinVar (database versions not stated): gnomAD exomes below 0.00001.
gnomAD v4.1: 3 of 1,610,604 alleles (0.00019%); highest among the groups gnomAD compares: Non-Finnish European, 0.00025%; no homozygotes.

Submissions (2):

Ambry Genetics
Classification: Uncertain significance for Hereditary cancer-predisposing syndrome. Last evaluated: 2025-08-19. Review status: criteria provided, single submitter. Criteria: Ambry Variant Classification Scheme 2023. Collection method: clinical testing. Allele origin: germline.
Comment: The p.E247G variant (also known as c.740A>G), located in coding exon 5 of the RAD50 gene, results from an A to G substitution at nucleotide position 740. The glutamic acid at codon 247 is replaced by glycine, an amino acid with similar properties. This amino acid position is not well conserved in available vertebrate species. In addition, this alteration is predicted to be tolerated by in silico analysis. Since supporting evidence is limited at this time, the clinical significance of this alteration remains unclear.

Labcorp Genetics (formerly Invitae), Labcorp
Classification: Uncertain significance for Hereditary cancer-predisposing syndrome. Last evaluated: 2019-05-10. Review status: criteria provided, single submitter. Criteria: Invitae Variant Classification Sherloc (09022015). Collection method: clinical testing. Allele origin: germline.
Comment: In summary, the available evidence is currently insufficient to determine the role of this variant in disease. Therefore, it has been classified as a Variant of Uncertain Significance. Algorithms developed to predict the effect of missense changes on protein structure and function do not agree on the potential impact of this missense change (SIFT: "Deleterious"; PolyPhen-2: "Benign"; Align-GVGD: "Class C15"). This variant has not been reported in the literature in individuals with RAD50-related disease. ClinVar contains an entry for this variant (Variation ID: 184834). This variant is not present in population databases (ExAC no frequency). This sequence change replaces glutamic acid with glycine at codon 247 of the RAD50 protein (p.Glu247Gly). The glutamic acid residue is moderately conserved and there is a moderate physicochemical difference between glutamic acid and glycine.

NM_005732.4(RAD50):c.740A>G (p.Glu247Gly)

Gene: RAD50 (RAD50 double strand break repair protein; plus strand). Cytogenetic location: 5q31.1.
Variant type: single nucleotide variant.
Coding change: c.740A>G on transcript NM_005732.4 (MANE Select); coding-DNA position 740, A replaced by G.
Protein change: p.Glu247Gly; replaces glutamic acid 247 with glycine.
Molecular consequence: missense variant.
Genome position (GRCh38, 1-based): chr5:132,580,050, A>G. VCF-style: chr5-132580050-A-G. GRCh37 (hg19) VCF-style: chr5-131915742-A-G.
Other names: short protein forms E247G.
Identifiers: ClinVar variation 184834 (VCV000184834.16), dbSNP rs786201724, ClinGen allele CA190187.
Genomic context (GRCh38, chr5:132,580,050, plus strand): 5'-TTACAAGTAAGGAAGCCCAGTTAACATCTTCAAAGGAAATTGTCAAATCCTATGAGAATG[A>G]ACTTGATCCATTGAAGGTAACTTGATTTTATTTTTAATTGACAAAAATTGTATATCTTTA-3'
Protein context (NP_005723.2, residues 237-257): SKEIVKSYEN[Glu247Gly]LDPLKNRLKE